The following is an entry in ClinVar:

ClinVar aggregate classification (germline): Uncertain significance (1 of 4 stars; one submission).

Submission:

Labcorp Genetics (formerly Invitae), Labcorp
Classification: Uncertain significance. Last evaluated: 2025-07-21. Review status: criteria provided, single submitter. Criteria: Invitae Variant Classification Sherloc (09022015). Collection method: clinical testing. Allele origin: germline.
Comment: This variant, c.24_26dup, results in the insertion of 1 amino acid(s) of the PRKCSH protein (p.Leu9dup), but otherwise preserves the integrity of the reading frame. This variant is present in population databases (rs775346256, gnomAD 0.004%). This variant has not been reported in the literature in individuals affected with PRKCSH-related conditions. Experimental studies and prediction algorithms are not available or were not evaluated, and the functional significance of this variant is currently unknown. In summary, the available evidence is currently insufficient to determine the role of this variant in disease. Therefore, it has been classified as a Variant of Uncertain Significance.

NM_001289104.2(PRKCSH):c.12GCT[6] (p.Leu9_Pro10insLeu)

Genes: PRKCSH (PRKCSH beta subunit of glucosidase II; plus strand), LOC130063575 (ATAC-STARR-seq lymphoblastoid active region 14018; plus strand). Cytogenetic location: 19p13.2.
Variant type: Microsatellite.
Coding change: c.12GCT[6] on transcript NM_001289104.2 (MANE Select); six copies in a row of the 3-base unit GCT starting at c.12; the reference has five copies in a row; one copy, 3 bases duplicated.
Protein change: p.Leu9_Pro10insLeu.
Molecular consequence: inframe insertion.
Genome position (GRCh38, 1-based): chr19:11,436,141-11,436,143, GCT duplicated; duplicating any 3 consecutive bases within chr19:11,436,129-11,436,143 gives the same sequence; the position shown is the placement nearest the transcript's 3' end. VCF-style (leftmost placement, unchanged base first): chr19-11436128-C-CGCT. GRCh37 (hg19) VCF-style: chr19-11546949-C-CGCT.
Other names: c.12GCT[6], p.Leu9_Pro10insLeu (NM_001001329.3, NM_001289102.2, NM_001289103.2 and 3 more transcripts).
Identifiers: ClinVar variation 2167568 (VCV002167568.4), dbSNP rs773220527, ClinGen allele CA9212627.
Genomic context (GRCh38, chr19:11,436,128, plus strand): 5'-GTAGGCTTCCTCCCACAGAACCCGTTTCGGGCCTCAGAGCGTCTGGTGAGATGCTGTTGC[C>CGCT]GCTGCTGCTGCTGCTACCCATGTGCTGGGCCGTGGAGGTCAAGAGGCCCCGGGGCGTCTC-3'